The following is an entry in ClinVar:

NM_003873.7(NRP1):c.1026G>A (p.Gln342=)

Gene: NRP1 (neuropilin 1; minus strand). Cytogenetic location: 10p11.22.
Variant type: single nucleotide variant.
Coding change: c.1026G>A on transcript NM_003873.7 (MANE Select); coding-DNA position 1026, G replaced by A.
Protein change: p.Gln342=; no amino-acid change (glutamine 342 retained).
Molecular consequence: synonymous variant. On other transcripts: non-coding transcript variant (1).
Genome position (GRCh38, 1-based): chr10:33,226,245, C>T on the plus strand (G>A on the coding strand, the complement: NRP1 is on the minus strand). VCF-style: chr10-33226245-C-T. GRCh37 (hg19) VCF-style: chr10-33515173-C-T.
Other names: c.1026G>A, p.Gln342= (NM_001024628.3, NM_001024629.3, NM_001244972.2 and 2 more transcripts).
Identifiers: ClinVar variation 4998629 (VCV004998629.1).

ClinVar aggregate classification (germline): Likely benign (1 of 4 stars; one submission).

Conditions:
NRP1-related disorder. Also called: NRP1-related condition.

gnomAD v4.1: 10 of 1,614,150 alleles (0.00062%); highest among the groups gnomAD compares: African/African-American, 0.008%; no homozygotes.

Submission:

PreventionGenetics, part of Exact Sciences
Classification: Likely benign for NRP1-related condition. Last evaluated: 2024-12-05. Review status: criteria provided, single submitter. Criteria: ACMG Guidelines, 2015. Collection method: clinical testing. Allele origin: germline.
Comment: This variant is classified as likely benign based on ACMG/AMP sequence variant interpretation guidelines (Richards et al. 2015 PMID: 25741868, with internal and published modifications).